The following is an entry in ClinVar:

ClinVar aggregate classification (germline): Pathogenic/Likely pathogenic. Review status: criteria provided, multiple submitters, no conflicts (2 of 4 stars). 5 submissions from 5 submitters: Pathogenic (2); Likely pathogenic (2). 1 of the submissions does not count toward it. Last evaluated 2024-09-03.

Conditions:
RP1-related disorder. Also called: RP1-related condition.
Retinal dystrophy. Also called: Inherited retinal dystrophy. Identifiers: Orphanet 71862, MedGen C0854723, MeSH D058499, MONDO:0019118, HP:0000556.
Retinitis pigmentosa (RP). Identifiers: Orphanet 791, MedGen C0035334, MeSH D012174, MONDO:0019200, OMIM 268000. Inheritance: Autosomal dominant, autosomal recessive and X linked inheritance.

Submissions (5):

Labcorp Genetics (formerly Invitae), Labcorp
Classification: Pathogenic. Last evaluated: 2024-09-03. Review status: criteria provided, single submitter. Criteria: Invitae Variant Classification Sherloc (09022015). Collection method: clinical testing. Allele origin: germline.
Comment: This sequence change creates a premature translational stop signal (p.Ser740*) in the RP1 gene. While this is not anticipated to result in nonsense mediated decay, it is expected to disrupt the last 1417 amino acid(s) of the RP1 protein. This variant is not present in population databases (gnomAD no frequency). This premature translational stop signal has been observed in individuals with autosomal dominant retinitis pigmentosa (PMID: 28041643, 32783370, 33576794). ClinVar contains an entry for this variant (Variation ID: 437952). Experimental studies and prediction algorithms are not available or were not evaluated, and the functional significance of this variant is currently unknown. For these reasons, this variant has been classified as Pathogenic.

Blueprint Genetics
Classification: Pathogenic for RP1-related disorders. Last evaluated: 2023-10-27. Review status: criteria provided, single submitter. Criteria: ACMG Guidelines, 2015. Collection method: clinical testing. Allele origin: germline. Affected: yes. Observed: 4 variant alleles.

Dept Of Ophthalmology, Nagoya University
Classification: Likely pathogenic for Retinal dystrophy. Last evaluated: 2023-10-01. Review status: criteria provided, single submitter. Criteria: Submitter's publication. Collection method: research. Allele origin: germline. Affected: yes.

GeneDx
Classification: Likely pathogenic. Last evaluated: 2018-11-05. Review status: criteria provided, single submitter. Criteria: GeneDx Variant Classification (06012015). Collection method: clinical testing. Allele origin: germline. Affected: yes.
Comment: The S740X variant in the RP1 gene has been reported previously in an individual with retinitis pigmentosa who did not have a second RP1 variant identified (Carss et al., 2017). This variant is predicted to cause loss of normal protein function through protein truncation, as the last 1,417 amino acids are lost. The S740X variant is not observed in large population cohorts (Lek et al., 2016). We interpret S740X as a likely pathogenic variant.

NIHR Bioresource Rare Diseases, University of Cambridge
Classification: Likely pathogenic for Retinitis pigmentosa. Last evaluated: 2015-01-01. Review status: no assertion criteria provided. Collection method: research. Allele origin: unknown. Affected: yes. Observed: 1 variant allele. Not counted in ClinVar's aggregate classification.

Literature cited by the submitters: PubMed 28041643 (cited by Labcorp Genetics (formerly Invitae), Labcorp and NIHR Bioresource Rare Diseases, University of Cambridge); PubMed 32783370 (cited by Labcorp Genetics (formerly Invitae), Labcorp); PubMed 33576794 (cited by Labcorp Genetics (formerly Invitae), Labcorp).

NM_006269.2(RP1):c.2219C>G (p.Ser740Ter)

Gene: RP1 (RP1 axonemal microtubule associated; plus strand). Cytogenetic location: 8q12.1.
Variant type: single nucleotide variant.
Coding change: c.2219C>G on transcript NM_006269.2 (MANE Select); coding-DNA position 2219, C replaced by G.
Protein change: p.Ser740Ter; replaces serine 740 with a stop codon.
Molecular consequence: nonsense.
Genome position (GRCh38, 1-based): chr8:54,626,101, C>G. VCF-style: chr8-54626101-C-G. GRCh37 (hg19) VCF-style: chr8-55538661-C-G.
Other names: short protein forms S740*.
Identifiers: ClinVar variation 437952 (VCV000437952.8), dbSNP rs1554519555, ClinGen allele CA370993031.